The following is an entry in ClinVar:

NM_018127.7(ELAC2):c.293A>G (p.His98Arg)

Gene: ELAC2 (elaC ribonuclease Z 2; minus strand). Cytogenetic location: 17p12.
Variant type: single nucleotide variant.
Coding change: c.293A>G on transcript NM_018127.7 (MANE Select); coding-DNA position 293, A replaced by G.
Protein change: p.His98Arg; replaces histidine 98 with arginine.
Molecular consequence: missense variant.
Genome position (GRCh38, 1-based): chr17:13,017,074, T>C on the plus strand (A>G on the coding strand, the complement: ELAC2 is on the minus strand). VCF-style: chr17-13017074-T-C. GRCh37 (hg19) VCF-style: chr17-12920391-T-C.
Other names: c.293A>G, p.His98Arg (NM_001165962.2, NM_173717.2); short protein forms H98R.
Identifiers: ClinVar variation 1449077 (VCV001449077.8), dbSNP rs1471918559, ClinGen allele CA398218536.

ClinVar aggregate classification (germline): Uncertain significance (1 of 4 stars; one submission).

Conditions:
Combined oxidative phosphorylation defect type 17. Also called: Combined oxidative phosphorylation deficiency 17. Identifiers: Orphanet 369913, MedGen C3809526, MONDO:0014190, OMIM 615440.

Allele frequency attached by ClinVar (database versions not stated): gnomAD exomes 0.00001; TOPMed 0.00001; gnomAD 0.00002.
gnomAD v4.1: 15 of 1,613,986 alleles (0.00093%); highest among the groups gnomAD compares: African/African-American, 0.0013%; no homozygotes.

Submission:

Labcorp Genetics (formerly Invitae), Labcorp
Classification: Uncertain significance for Combined oxidative phosphorylation defect type 17. Last evaluated: 2024-08-06. Review status: criteria provided, single submitter. Criteria: Invitae Variant Classification Sherloc (09022015). Collection method: clinical testing. Allele origin: germline.
Comment: This sequence change replaces histidine, which is basic and polar, with arginine, which is basic and polar, at codon 98 of the ELAC2 protein (p.His98Arg). This variant is present in population databases (no rsID available, gnomAD 0.007%). This variant has not been reported in the literature in individuals affected with ELAC2-related conditions. ClinVar contains an entry for this variant (Variation ID: 1449077). Advanced modeling of protein sequence and biophysical properties (such as structural, functional, and spatial information, amino acid conservation, physicochemical variation, residue mobility, and thermodynamic stability) has been performed at Invitae for this missense variant, however the output from this modeling did not meet the statistical confidence thresholds required to predict the impact of this variant on ELAC2 protein function. In summary, the available evidence is currently insufficient to determine the role of this variant in disease. Therefore, it has been classified as a Variant of Uncertain Significance.